The following is an entry in ClinVar:

NM_004329.3(BMPR1A):c.981C>T (p.Asp327=)

Gene: BMPR1A (bone morphogenetic protein receptor type 1A; plus strand). Cytogenetic location: 10q23.2.
Variant type: single nucleotide variant.
Coding change: c.981C>T on transcript NM_004329.3 (MANE Select); coding-DNA position 981, C replaced by T.
Protein change: p.Asp327=; no amino-acid change (aspartic acid 327 retained).
Molecular consequence: synonymous variant. On other transcripts: non-coding transcript variant (3).
Genome position (GRCh38, 1-based): chr10:86,919,284, C>T. VCF-style: chr10-86919284-C-T. GRCh37 (hg19) VCF-style: chr10-88679041-C-T.
Other names: c.981C>T, p.Asp327= (NM_001406572.1, NM_001406573.1, NM_001406574.1 and 19 more transcripts); c.975C>T, p.Asp325= (NM_001406583.1); c.897C>T, p.Asp299= (NM_001406584.1, NM_001406585.1, NM_001406586.1 and 2 more transcripts); c.639C>T, p.Asp213= (NM_001406589.1); c.1056C>T, p.Asp352= (NM_001406559.1); c.1029C>T, p.Asp343= (NM_001406560.1).
Identifiers: ClinVar variation 2626633 (VCV002626633.3), dbSNP rs2133591063, ClinGen allele CA470372887.
Genomic context (GRCh38, chr10:86,919,284, plus strand): 5'-GATTACTGATTACCATGAAAATGGATCTCTCTATGACTTCCTGAAATGTGCTACACTGGA[C>T]ACCAGAGCCCTGCTTAAATTGGCTTATTCAGCTGCCTGTGGTCTGTGCCACCTGCACACA-3'
Protein context (NP_004320.2, residues 317-337): LYDFLKCATL[Asp327=]TRALLKLAYS

ClinVar aggregate classification (germline): Benign/Likely benign. Review status: criteria provided, multiple submitters, no conflicts (2 of 4 stars). 2 submissions from 2 submitters: Benign (1); Likely benign (1). Last evaluated 2024-08-05.

Conditions:
Juvenile polyposis syndrome (JPS). Identifiers: Orphanet 2929, MedGen C0345893, MONDO:0017380, OMIM 174900.
Hereditary cancer-predisposing syndrome. Also called: Tumor predisposition; Neoplastic Syndromes, Hereditary; Hereditary Cancer Syndrome; Hereditary neoplastic syndrome. Identifiers: Orphanet 140162, MedGen C0027672, MeSH D009386, MONDO:0015356.

Submissions (2):

Myriad Genetics, Inc.
Classification: Benign for Juvenile polyposis syndrome. Last evaluated: 2024-08-05. Review status: criteria provided, single submitter. Criteria: Myriad Autosomal Dominant, Autosomal Recessive and X-Linked Classification Criteria (2023). Collection method: clinical testing. Allele origin: unknown.
Comment: This variant is considered benign. This variant is a silent/synonymous amino acid change and it is not expected to impact splicing.

Ambry Genetics
Classification: Likely benign for Hereditary cancer-predisposing syndrome. Last evaluated: 2023-08-07. Review status: criteria provided, single submitter. Criteria: Ambry Variant Classification Scheme 2023. Collection method: clinical testing. Allele origin: germline.